The following is an entry in ClinVar:

ClinVar aggregate classification (germline): Uncertain significance (1 of 4 stars; one submission).

Conditions:
Inborn genetic diseases. Identifiers: MedGen C0950123, MeSH D030342.

Submission:

Ambry Genetics
Classification: Uncertain significance for Inborn genetic diseases. Last evaluated: 2026-01-04. Review status: criteria provided, single submitter. Criteria: Ambry Variant Classification Scheme 2023. Collection method: clinical testing. Allele origin: germline.
Comment: The p.P186Q variant (also known as c.557C>A), located in coding exon 1 of the CEBPA gene, results from a C to A substitution at nucleotide position 557. The proline at codon 186 is replaced by glutamine, an amino acid with similar properties. This amino acid position is conserved. In addition, this alteration is predicted to be tolerated by in silico analysis. Based on the available evidence, the clinical significance of this variant remains unclear.

NM_004364.5(CEBPA):c.557C>A (p.Pro186Gln)

Gene: CEBPA (CCAAT enhancer binding protein alpha; minus strand). Cytogenetic location: 19q13.11.
Variant type: single nucleotide variant.
Coding change: c.557C>A on transcript NM_004364.5 (MANE Select); coding-DNA position 557, C replaced by A.
Protein change: p.Pro186Gln; replaces proline 186 with glutamine.
Molecular consequence: missense variant.
Genome position (GRCh38, 1-based): chr19:33,301,858, G>T on the plus strand (C>A on the coding strand, the complement: CEBPA is on the minus strand). VCF-style: chr19-33301858-G-T. GRCh37 (hg19) VCF-style: chr19-33792764-G-T.
Other names: c.515C>A, p.Pro172Gln (NM_001287435.2); c.200C>A, p.Pro67Gln (NM_001285829.2); c.662C>A, p.Pro221Gln (NM_001287424.2); short protein forms P221Q, P172Q, P186Q, P67Q.
Identifiers: ClinVar variation 4843298 (VCV004843298.1).